The following is an entry in ClinVar:

ClinVar aggregate classification (germline): Uncertain significance. Review status: criteria provided, multiple submitters, no conflicts (2 of 4 stars). 2 submissions from 2 submitters: Uncertain significance (2). Last evaluated 2025-07-14.

Conditions:
Inborn genetic diseases. Identifiers: MedGen C0950123, MeSH D030342.

gnomAD v4.1: 12 of 1,604,454 alleles (0.00075%); highest among the groups gnomAD compares: Non-Finnish European, 0.00076%; no homozygotes.

Submissions (2):

Ambry Genetics
Classification: Uncertain significance for Inborn genetic diseases. Last evaluated: 2025-07-14. Review status: criteria provided, single submitter. Criteria: Ambry Variant Classification Scheme 2023. Collection method: clinical testing. Allele origin: germline.

Labcorp Genetics (formerly Invitae), Labcorp
Classification: Uncertain significance. Last evaluated: 2024-11-03. Review status: criteria provided, single submitter. Criteria: Invitae Variant Classification Sherloc (09022015). Collection method: clinical testing. Allele origin: germline.
Comment: This sequence change replaces arginine, which is basic and polar, with tryptophan, which is neutral and slightly polar, at codon 1192 of the RERE protein (p.Arg1192Trp). The frequency data for this variant in the population databases is considered unreliable, as metrics indicate poor data quality at this position in the gnomAD database. This variant has not been reported in the literature in individuals affected with RERE-related conditions. Invitae Evidence Modeling of protein sequence and biophysical properties (such as structural, functional, and spatial information, amino acid conservation, physicochemical variation, residue mobility, and thermodynamic stability) has been performed for this missense variant. However, the output from this modeling did not meet the statistical confidence thresholds required to predict the impact of this variant on RERE protein function. In summary, the available evidence is currently insufficient to determine the role of this variant in disease. Therefore, it has been classified as a Variant of Uncertain Significance.

NM_001042681.2(RERE):c.3574C>T (p.Arg1192Trp)

Gene: RERE (arginine-glutamic acid dipeptide repeats; minus strand). Cytogenetic location: 1p36.23.
Variant type: single nucleotide variant.
Coding change: c.3574C>T on transcript NM_001042681.2 (MANE Select); coding-DNA position 3574, C replaced by T.
Protein change: p.Arg1192Trp; replaces arginine 1192 with tryptophan.
Molecular consequence: missense variant.
Genome position (GRCh38, 1-based): chr1:8,359,808, G>A on the plus strand (C>T on the coding strand, the complement: RERE is on the minus strand). VCF-style: chr1-8359808-G-A. GRCh37 (hg19) VCF-style: chr1-8419868-G-A.
Other names: c.1912C>T, p.Arg638Trp (NM_001042682.2); c.3574C>T, p.Arg1192Trp (NM_012102.4); c.3574C>T (NM_012102.3); short protein forms R1192W, R638W.
Identifiers: ClinVar variation 3627175 (VCV003627175.3).